The following is an entry in ClinVar:

NM_001282680.3(GAPVD1):c.850G>A (p.Val284Met)

Gene: GAPVD1 (GTPase activating protein and VPS9 domains 1; plus strand). Cytogenetic location: 9q33.3.
Variant type: single nucleotide variant.
Coding change: c.850G>A on transcript NM_001282680.3 (MANE Select); coding-DNA position 850, G replaced by A.
Protein change: p.Val284Met; replaces valine 284 with methionine.
Molecular consequence: missense variant. On other transcripts: non-coding transcript variant (2).
Genome position (GRCh38, 1-based): chr9:125,302,647, G>A. VCF-style: chr9-125302647-G-A. GRCh37 (hg19) VCF-style: chr9-128064926-G-A.
Other names: c.850G>A, p.Val284Met (NM_001282679.2, NM_001282681.3, NM_001330777.3 and 11 more transcripts); short protein forms V284M.
Identifiers: ClinVar variation 771429 (VCV000771429.28), dbSNP rs55779102, ClinGen allele CA5240006.

ClinVar aggregate classification (germline): Benign/Likely benign. Review status: criteria provided, multiple submitters, no conflicts (2 of 4 stars). 3 submissions from 3 submitters: Benign (2); Likely benign (1). Last evaluated 2025-05-01.

Allele frequency attached by ClinVar (database versions not stated): gnomAD 0.00295 and 0.00308; TOPMed 0.00300; 1000 Genomes Project 0.00359; ESP Exome Variant Server 0.00369; 1000 Genomes Project 30x 0.00375; ExAC 0.00404.

Submissions (3):

CeGaT Center for Human Genetics Tuebingen
Classification: Likely benign. Last evaluated: 2025-05-01. Review status: criteria provided, single submitter. Criteria: CeGaT Center For Human Genetics Tuebingen Variant Classification Criteria Version 2. Collection method: clinical testing. Allele origin: germline. Affected: yes. Observed: 7 variant alleles.
Comment: GAPVD1: PP3, BS2

Labcorp Genetics (formerly Invitae), Labcorp
Classification: Benign. Last evaluated: 2018-08-15. Review status: criteria provided, single submitter. Criteria: Invitae Variant Classification Sherloc (09022015). Collection method: clinical testing. Allele origin: germline.

Breakthrough Genomics
Classification: Benign. Review status: criteria provided, single submitter. Criteria: ACMG Guidelines, 2015. Collection method: not provided. Allele origin: germline. Inheritance: Unknown mechanism. Affected: yes.